The following is an entry in ClinVar:

ClinVar aggregate classification (germline): Conflicting classifications of pathogenicity. Review status: criteria provided, conflicting classifications (1 of 4 stars). 2 submissions from 2 submitters: Uncertain significance (1); Likely benign (1). Last evaluated 2025-11-26.

Conditions:
Left ventricular noncompaction 8 (LVNC8). Identifiers: Orphanet 154, Orphanet 54260, MedGen C3809288, MONDO:0014152, OMIM 615373.
Inborn genetic diseases. Identifiers: MedGen C0950123, MeSH D030342.

Allele frequency attached by ClinVar (database versions not stated): gnomAD exomes below 0.00001; gnomAD 0.00001; TOPMed 0.00001.
gnomAD v4.1: 2 of 1,613,350 alleles (0.00012%); highest among the groups gnomAD compares: African/African-American, 0.0013%; no homozygotes.

Submissions (2):

Ambry Genetics
Classification: Likely benign for Inborn genetic diseases. Last evaluated: 2025-11-26. Review status: criteria provided, single submitter. Criteria: Ambry Variant Classification Scheme 2023. Collection method: clinical testing. Allele origin: germline.

Labcorp Genetics (formerly Invitae), Labcorp
Classification: Uncertain significance for Left ventricular noncompaction 8. Last evaluated: 2022-07-01. Review status: criteria provided, single submitter. Criteria: Invitae Variant Classification Sherloc (09022015). Collection method: clinical testing. Allele origin: germline.
Comment: In summary, the available evidence is currently insufficient to determine the role of this variant in disease. Therefore, it has been classified as a Variant of Uncertain Significance. Algorithms developed to predict the effect of missense changes on protein structure and function output the following: SIFT: "Tolerated"; PolyPhen-2: "Benign"; Align-GVGD: "Class C0". The arginine amino acid residue is found in multiple mammalian species, which suggests that this missense change does not adversely affect protein function. This variant has not been reported in the literature in individuals affected with PRDM16-related conditions. This variant is not present in population databases (gnomAD no frequency). This sequence change replaces histidine, which is basic and polar, with arginine, which is basic and polar, at codon 1179 of the PRDM16 protein (p.His1179Arg).

NM_022114.4(PRDM16):c.3536A>G (p.His1179Arg)

Gene: PRDM16 (PR/SET domain 16; plus strand). Cytogenetic location: 1p36.32.
Variant type: single nucleotide variant.
Coding change: c.3536A>G on transcript NM_022114.4 (MANE Select); coding-DNA position 3536, A replaced by G.
Protein change: p.His1179Arg; replaces histidine 1179 with arginine.
Molecular consequence: missense variant.
Genome position (GRCh38, 1-based): chr1:3,431,980, A>G. VCF-style: chr1-3431980-A-G. GRCh37 (hg19) VCF-style: chr1-3348544-A-G.
Other names: c.3536A>G (NM_022114.3); c.3536A>G, p.His1179Arg (NM_199454.3); short protein forms H1179R.
Identifiers: ClinVar variation 2109693 (VCV002109693.5), dbSNP rs1210169174, ClinGen allele CA338004390.